The following is an entry in ClinVar:

ClinVar aggregate classification (germline): Uncertain significance (1 of 4 stars; one submission).

Conditions:
Alagille syndrome due to a JAG1 point mutation. Also called: JAG1-Related Alagille Syndrome; Alagille Syndrome 1; HEPATIC DUCTULAR HYPOPLASIA, SYNDROMATIC. Identifiers: Orphanet 261619, Orphanet 52, MedGen C1956125, MONDO:0016862, OMIM 118450.

Submission:

Labcorp Genetics (formerly Invitae), Labcorp
Classification: Uncertain significance for Alagille syndrome due to a JAG1 point mutation. Last evaluated: 2023-04-06. Review status: criteria provided, single submitter. Criteria: Invitae Variant Classification Sherloc (09022015). Collection method: clinical testing. Allele origin: germline.
Comment: This sequence change replaces arginine, which is basic and polar, with cysteine, which is neutral and slightly polar, at codon 2 of the JAG1 protein (p.Arg2Cys). This variant is not present in population databases (gnomAD no frequency). This variant has not been reported in the literature in individuals affected with JAG1-related conditions. Advanced modeling of protein sequence and biophysical properties (such as structural, functional, and spatial information, amino acid conservation, physicochemical variation, residue mobility, and thermodynamic stability) performed at Invitae indicates that this missense variant is not expected to disrupt JAG1 protein function. In summary, the available evidence is currently insufficient to determine the role of this variant in disease. Therefore, it has been classified as a Variant of Uncertain Significance.

NM_000214.3(JAG1):c.4C>T (p.Arg2Cys)

Gene: JAG1 (jagged canonical Notch ligand 1; minus strand). Cytogenetic location: 20p12.2.
Variant type: single nucleotide variant.
Coding change: c.4C>T on transcript NM_000214.3 (MANE Select); coding-DNA position 4, C replaced by T.
Protein change: p.Arg2Cys; replaces arginine 2 with cysteine.
Molecular consequence: missense variant.
Genome position (GRCh38, 1-based): chr20:10,673,527, G>A on the plus strand (C>T on the coding strand, the complement: JAG1 is on the minus strand). VCF-style: chr20-10673527-G-A. GRCh37 (hg19) VCF-style: chr20-10654175-G-A.
Other names: short protein forms R2C.
Identifiers: ClinVar variation 2864702 (VCV002864702.3), dbSNP rs984916696, ClinGen allele CA408244359.